The following is an entry in ClinVar:

NM_001098668.4(SFTPA2):c.11G>A (p.Cys4Tyr)

Gene: SFTPA2 (surfactant protein A2; minus strand). Cytogenetic location: 10q22.3.
Variant type: single nucleotide variant.
Coding change: c.11G>A on transcript NM_001098668.4 (MANE Select); coding-DNA position 11, G replaced by A.
Protein change: p.Cys4Tyr; replaces cysteine 4 with tyrosine.
Molecular consequence: missense variant.
Genome position (GRCh38, 1-based): chr10:79,559,473, C>T on the plus strand (G>A on the coding strand, the complement: SFTPA2 is on the minus strand). VCF-style: chr10-79559473-C-T. GRCh37 (hg19) VCF-style: chr10-81319229-C-T.
Other names: c.11G>A, p.Cys4Tyr (NM_001320813.2, NM_001437428.1); c.41G>A, p.Cys14Tyr (NM_001320814.1); short protein forms C14Y, C4Y.
Identifiers: ClinVar variation 4983996 (VCV004983996.1).
Genomic context (GRCh38, chr10:79,559,473, plus strand): 5'-TCCTTCACTTCGCACGCAGCACCAGAGGCTGCCATCAAGATGAGGGTGAGGGCCAGAGGG[C>T]ACAGCCACATGGCTCTGGGTCCAGTCGCTGCTCCTGCCGGAGGGATGGCCGTGAGCCCAT-3'
Protein context (NP_001092138.1, residues 1-14): MWL[Cys4Tyr]PLALTLILMA

ClinVar aggregate classification (germline): Uncertain significance (1 of 4 stars; one submission).

Conditions:
SFTPA2-related disorder. Also called: SFTPA2-related condition.

Submission:

PreventionGenetics, part of Exact Sciences
Classification: Uncertain significance for SFTPA2-related condition. Last evaluated: 2025-01-02. Review status: criteria provided, single submitter. Criteria: ACMG Guidelines, 2015. Collection method: clinical testing. Allele origin: germline.
Comment: The SFTPA2 c.11G>A variant is predicted to result in the amino acid substitution p.Cys4Tyr. To our knowledge, this variant has not been reported in the literature. This variant is reported in 0.012% of alleles in individuals of Latino descent in gnomAD. At this time, the clinical significance of this variant is uncertain due to the absence of conclusive functional and genetic evidence.